The following is an entry in ClinVar:

ClinVar aggregate classification (germline): Likely pathogenic (1 of 4 stars; one submission).

Conditions:
Mitochondrial DNA depletion syndrome, encephalomyopathic form with methylmalonic aciduria (MTDPS5). Also called: MITOCHONDRIAL DNA DEPLETION SYNDROME, ENCEPHALOMYOPATHIC FORM, WITH OR WITHOUT METHYLMALONIC ACIDURIA, AUTOSOMAL RECESSIVE, SUCLA2-RELATED; Mitochondrial DNA depletion syndrome 5 (encephalomyopathic with or without methylmalonic aciduria); SUCLA2-Related Mitochondrial DNA Depletion Syndrome, Encephalomyopathic Form with Methylmalonic Aciduria; Mitochondrial encephalomyopathy aminoacidopathy. Identifiers: Orphanet 1933, MedGen C5980207, MONDO:0012791, OMIM 612073.

Submissions (2):

Labcorp Genetics (formerly Invitae), Labcorp
Classification: Likely pathogenic for Mitochondrial DNA depletion syndrome, encephalomyopathic form with methylmalonic aciduria. Last evaluated: 2024-01-11. Review status: criteria provided, single submitter. Criteria: Invitae Variant Classification Sherloc (09022015). Collection method: clinical testing. Allele origin: germline.
Comment: This sequence change affects an acceptor splice site in intron 8 of the SUCLA2 gene. It is expected to disrupt RNA splicing. Variants that disrupt the donor or acceptor splice site typically lead to a loss of protein function (PMID: 16199547), and loss-of-function variants in SUCLA2 are known to be pathogenic (PMID: 15877282, 17301081). This variant is not present in population databases (gnomAD no frequency). This variant has not been reported in the literature in individuals affected with SUCLA2-related conditions. Algorithms developed to predict the effect of sequence changes on RNA splicing suggest that this variant may disrupt the consensus splice site. In summary, the currently available evidence indicates that the variant is pathogenic, but additional data are needed to prove that conclusively. Therefore, this variant has been classified as Likely Pathogenic.

Dr. Peter K. Rogan Lab, Western University
No classification provided (evidence only). Condition: Familial prostate cancer. Review status: no classification provided. Collection method: in vitro. Allele origin: not applicable. Functional consequence: skipped exon. Not counted in ClinVar's aggregate classification.

Literature cited by the submitters: PubMed 16199547 (cited by Labcorp Genetics (formerly Invitae), Labcorp); PubMed 15877282 (cited by Labcorp Genetics (formerly Invitae), Labcorp); PubMed 17301081 (cited by Labcorp Genetics (formerly Invitae), Labcorp).

NM_003850.3(SUCLA2):c.1108-1G>A

Gene: SUCLA2 (succinate-CoA ligase ADP-forming subunit beta; minus strand). Cytogenetic location: 13q14.2.
Variant type: single nucleotide variant.
Coding change: c.1108-1G>A on transcript NM_003850.3 (MANE Select); the canonical splice acceptor site of the intron before coding-DNA position 1108, G replaced by A.
Molecular consequence: splice acceptor variant.
Genome position (GRCh38, 1-based): chr13:47,949,604, C>T on the plus strand (G>A on the coding strand, the complement: SUCLA2 is on the minus strand). VCF-style: chr13-47949604-C-T. GRCh37 (hg19) VCF-style: chr13-48523739-C-T.
Identifiers: ClinVar variation 2708944 (VCV002708944.4), dbSNP rs2541668805, ClinGen allele CA388249857.